The following is an entry in ClinVar:

ClinVar aggregate classification (germline): Conflicting classifications of pathogenicity. Review status: criteria provided, conflicting classifications (1 of 4 stars). 5 submissions from 5 submitters: Uncertain significance (1); Likely benign (3). 1 of the submissions does not count toward it. Last evaluated 2026-01-22.

Conditions:
Inborn genetic diseases. Identifiers: MedGen C0950123, MeSH D030342.
TUBGCP6-related disorder. Also called: TUBGCP6-related condition.

Allele frequency attached by ClinVar (database versions not stated): gnomAD 0.00019; TOPMed 0.00041; ExAC 0.00048; ESP Exome Variant Server 0.00054; 1000 Genomes Project 30x 0.00062; 1000 Genomes Project 0.00080.
gnomAD v4.1: 684 of 1,613,680 alleles (0.042%); highest among the groups gnomAD compares: Middle Eastern, 0.36%; 1 homozygote.

Submissions (5):

Labcorp Genetics (formerly Invitae), Labcorp
Classification: Likely benign. Last evaluated: 2026-01-22. Review status: criteria provided, single submitter. Criteria: Invitae Variant Classification Sherloc (09022015). Collection method: clinical testing. Allele origin: germline.

Blueprint Genetics
Classification: Likely benign. Last evaluated: 2024-11-26. Review status: criteria provided, single submitter. Criteria: ACMG Guidelines, 2015. Collection method: clinical testing. Allele origin: germline.

Ambry Genetics
Classification: Likely benign for Inborn genetic diseases. Last evaluated: 2021-09-01. Review status: criteria provided, single submitter. Criteria: Ambry Variant Classification Scheme 2023. Collection method: clinical testing. Allele origin: germline.

Genetic Services Laboratory, University of Chicago
Classification: Uncertain significance. Last evaluated: 2016-05-05. Review status: criteria provided, single submitter. Criteria: ACMG Guidelines, 2015. Collection method: clinical testing. Allele origin: germline. Affected: no.

PreventionGenetics, part of Exact Sciences
Classification: Likely benign for TUBGCP6-related condition. Last evaluated: 2022-03-28. Review status: no assertion criteria provided. Collection method: clinical testing. Allele origin: germline. Not counted in ClinVar's aggregate classification.
Comment: This variant is classified as likely benign based on ACMG/AMP sequence variant interpretation guidelines (Richards et al. 2015 PMID: 25741868, with internal and published modifications).

NM_020461.4(TUBGCP6):c.655G>T (p.Val219Leu)

Gene: TUBGCP6 (tubulin gamma complex component 6; minus strand). Cytogenetic location: 22q13.33.
Variant type: single nucleotide variant.
Coding change: c.655G>T on transcript NM_020461.4 (MANE Select); coding-DNA position 655, G replaced by T.
Protein change: p.Val219Leu; replaces valine 219 with leucine.
Molecular consequence: missense variant.
Genome position (GRCh38, 1-based): chr22:50,243,805, C>A on the plus strand (G>T on the coding strand, the complement: TUBGCP6 is on the minus strand). VCF-style: chr22-50243805-C-A. GRCh37 (hg19) VCF-style: chr22-50682234-C-A.
Other names: short protein forms V219L.
Identifiers: ClinVar variation 437161 (VCV000437161.20), dbSNP rs137934849, ClinGen allele CA10309007.